The following is an entry in ClinVar:

GRCh38/hg38 13q12.12(chr13:22941375-24286142)x3

Genes: C1QTNF9B (C1q and TNF related 9B; minus strand), LINC00327 (long intergenic non-protein coding RNA 327; plus strand), LINC00362 (long intergenic non-protein coding RNA 362; minus strand), MIPEP (mitochondrial intermediate peptidase; minus strand), MIR2276 (microRNA 2276; plus strand) and 52 more. Cytogenetic location: 13q12.12.
Variant type: copy number gain.
Change: copy number 3 (three copies instead of two) of chr13:22,941,375-24,286,142 (1.34 Mb, GRCh38 coordinates, 1-based), cytogenetic band 13q12.12.
Identifiers: ClinVar variation 57578 (VCV000057578.2).

ClinVar aggregate classification (germline): Uncertain significance (1 of 4 stars; one submission).

Submission:

ISCA Site 6
Classification: Uncertain significance. Last evaluated: 2011-08-12. Review status: criteria provided, single submitter. Criteria: Kaminsky et al. (Genet Med. 2011). Collection method: clinical testing. Allele origin: unknown. Affected: yes. Observed: 1 variant allele.
Comment: Copy number variation identified through the course of routine clinical cytogenomic testing in postnatal populations. Clinical assertions have been curated as described in Kaminsky et al. 2011.